The following is an entry in ClinVar:

ClinVar aggregate classification (germline): Uncertain significance. Review status: criteria provided, multiple submitters, no conflicts (2 of 4 stars). 6 submissions from 4 submitters: Uncertain significance (6). Last evaluated 2024-08-06.

Conditions:
Charcot-Marie-Tooth disease axonal type 2X. Also called: CHARCOT-MARIE-TOOTH DISEASE, AXONAL, AUTOSOMAL RECESSIVE, TYPE 2X; CHARCOT-MARIE-TOOTH NEUROPATHY, TYPE 2X. Identifiers: Orphanet 466775, MedGen C5569024, MONDO:0014726, OMIM 616668.
Hereditary spastic paraplegia. Also called: Familial spastic paraparesis. Identifiers: Orphanet 685, MedGen C0037773, MONDO:0019064. Disease mechanism: loss of function.
Inborn genetic diseases. Identifiers: MedGen C0950123, MeSH D030342.
Amyotrophic lateral sclerosis type 5 (ALS5). Also called: AMYOTROPHIC LATERAL SCLEROSIS 5, JUVENILE. Identifiers: Orphanet 300605, MedGen C1865864, MONDO:0011196, OMIM 602099.
Hereditary spastic paraplegia 11. Also called: Nakamura Osame syndrome; Autosomal recessive hereditary spastic paraplegia, mental impairment, and thin corpus callosum; SPASTIC PARAPLEGIA, AUTOSOMAL RECESSIVE, COMPLICATED, WITH THIN CORPUS CALLOSUM; SPASTIC PARAPLEGIA, AUTOSOMAL RECESSIVE, WITH MENTAL IMPAIRMENT AND THIN CORPUS CALLOSUM; Spastic Paraplegia 11; Spastic paraplegia, mental retardation and thin corpus callosum. Identifiers: Orphanet 2822, MedGen C1858479, MONDO:0011445, OMIM 604360.

Allele frequency attached by ClinVar (database versions not stated): gnomAD exomes 0.00001 and 0.00003; TOPMed 0.00002; gnomAD 0.00003.

Submissions (6):

Labcorp Genetics (formerly Invitae), Labcorp
Classification: Uncertain significance for Hereditary spastic paraplegia 11. Last evaluated: 2024-08-06. Review status: criteria provided, single submitter. Criteria: Invitae Variant Classification Sherloc (09022015). Collection method: clinical testing. Allele origin: germline.
Comment: This variant, c.6864_6866dup, results in the insertion of 1 amino acid(s) of the SPG11 protein (p.Ala2288_Gln2289insHis), but otherwise preserves the integrity of the reading frame. This variant is present in population databases (no rsID available, gnomAD 0.002%). This variant has not been reported in the literature in individuals affected with SPG11-related conditions. ClinVar contains an entry for this variant (Variation ID: 639830). Experimental studies and prediction algorithms are not available or were not evaluated, and the functional significance of this variant is currently unknown. In summary, the available evidence is currently insufficient to determine the role of this variant in disease. Therefore, it has been classified as a Variant of Uncertain Significance.

Ambry Genetics
Classification: Uncertain significance for Inborn genetic diseases. Last evaluated: 2020-08-21. Review status: criteria provided, single submitter. Criteria: Ambry Variant Classification Scheme 2023. Collection method: clinical testing. Allele origin: germline.
Comment: The c.6864_6866dupCCA variant (also known as p.A2288_Q2289insH), located in coding exon 38 of the SPG11 gene, results from an in-frame insertion of CCA due to the duplication of nucleotides 6864 through 6866. This results in the insertion of an extra residue (H) between codons 2288 and 2289. This amino acid region is not well conserved in available vertebrate species. In addition, this alteration is predicted to be deleterious by in silico analysis (Choi Y et al. PLoS ONE. 2012; 7(10):e46688). Since supporting evidence is limited at this time, the clinical significance of this alteration remains unclear.

Genome Diagnostics Laboratory, The Hospital for Sick Children
Classification: Uncertain significance for Hereditary spastic paraplegia. Last evaluated: 2019-04-01. Review status: criteria provided, single submitter. Criteria: ACMG Guidelines, 2015. Collection method: clinical testing. Allele origin: germline. Affected: yes.

Genome-Nilou Lab
Classification: Uncertain significance for Amyotrophic lateral sclerosis type 5. Review status: criteria provided, single submitter. Criteria: ACMG Guidelines, 2015. Collection method: clinical testing. Allele origin: germline.

Genome-Nilou Lab
Classification: Uncertain significance for Charcot-Marie-Tooth disease axonal type 2X. Review status: criteria provided, single submitter. Criteria: ACMG Guidelines, 2015. Collection method: clinical testing. Allele origin: germline.

Genome-Nilou Lab
Classification: Uncertain significance for Hereditary spastic paraplegia 11. Review status: criteria provided, single submitter. Criteria: ACMG Guidelines, 2015. Collection method: clinical testing. Allele origin: germline.

NM_025137.4(SPG11):c.6864_6866dup (p.Ala2288_Gln2289insHis)

Gene: SPG11 (SPG11 vesicle trafficking associated, spatacsin; minus strand). Cytogenetic location: 15q21.1.
Variant type: Duplication.
Coding change: c.6864_6866dup on transcript NM_025137.4 (MANE Select); coding-DNA positions 6864 to 6866, 3 bases duplicated (CCA; older notation c.6864_6866dupCCA).
Protein change: p.Ala2288_Gln2289insHis.
Molecular consequence: inframe insertion.
Genome position (GRCh38, 1-based): chr15:44,565,987-44,565,989, TGG duplicated on the plus strand (CCA on the coding strand, the reverse complement: SPG11 is on the minus strand). VCF-style (leftmost placement, unchanged base first): chr15-44565986-C-CTGG. GRCh37 (hg19) VCF-style: chr15-44858184-C-CTGG.
Other names: c.6525_6527dup, p.Ala2175_Gln2176insHis (NM_001160227.2); c.6864_6866dup (NM_025137.3).
Identifiers: ClinVar variation 639830 (VCV000639830.12), dbSNP rs1331704584, ClinGen allele CA618005851.